The following is an entry in ClinVar:

ClinVar aggregate classification (germline): Uncertain significance (1 of 4 stars; one submission).

Conditions:
Distal hereditary motor neuropathy type 2. Identifiers: Orphanet 139525, MedGen C3711384, MeSH C580044, MONDO:0015352.

Allele frequency attached by ClinVar (database versions not stated): TOPMed below 0.00001.

Submission:

Labcorp Genetics (formerly Invitae), Labcorp
Classification: Uncertain significance for Distal hereditary motor neuropathy type 2. Last evaluated: 2021-09-08. Review status: criteria provided, single submitter. Criteria: Invitae Variant Classification Sherloc (09022015). Collection method: clinical testing. Allele origin: germline.
Comment: This sequence change replaces aspartic acid with glutamic acid at codon 602 of the FBXO38 protein (p.Asp602Glu). The aspartic acid residue is moderately conserved and there is a small physicochemical difference between aspartic acid and glutamic acid. This variant is not present in population databases (ExAC no frequency). This variant has not been reported in the literature in individuals affected with FBXO38-related conditions. Algorithms developed to predict the effect of missense changes on protein structure and function are either unavailable or do not agree on the potential impact of this missense change (SIFT: "Tolerated"; PolyPhen-2: "Probably Damaging"; Align-GVGD: "Class C0"). In summary, the available evidence is currently insufficient to determine the role of this variant in disease. Therefore, it has been classified as a Variant of Uncertain Significance.

NM_205836.3(FBXO38):c.1806T>A (p.Asp602Glu)

Gene: FBXO38 (F-box protein 38; plus strand). Cytogenetic location: 5q32.
Variant type: single nucleotide variant.
Coding change: c.1806T>A on transcript NM_205836.3 (MANE Select); coding-DNA position 1806, T replaced by A.
Protein change: p.Asp602Glu; replaces aspartic acid 602 with glutamic acid.
Molecular consequence: missense variant.
Genome position (GRCh38, 1-based): chr5:148,425,589, T>A. VCF-style: chr5-148425589-T-A. GRCh37 (hg19) VCF-style: chr5-147805152-T-A.
Other names: c.1806T>A, p.Asp602Glu (NM_001271723.2, NM_030793.5); short protein forms D602E.
Identifiers: ClinVar variation 1504791 (VCV001504791.6), dbSNP rs1222414075, ClinGen allele CA361655515.